The following is an entry in ClinVar:

NM_181705.3(LYRM7):c.-176G>A

Gene: LYRM7 (LYR motif containing 7; plus strand). Cytogenetic location: 5q23.3.
Variant type: single nucleotide variant.
Coding change: c.-176G>A on transcript NM_181705.3; 176 bases upstream of the start codon, G replaced by A.
Genome position (GRCh38, 1-based): chr5:131,170,845, G>A. VCF-style: chr5-131170845-G-A. GRCh37 (hg19) VCF-style: chr5-130506538-G-A.
Identifiers: ClinVar variation 676312 (VCV000676312.3), dbSNP rs138005250, ClinGen allele CA127816002.

ClinVar aggregate classification (germline): Likely benign (1 of 4 stars; one submission).

Allele frequency attached by ClinVar (database versions not stated): gnomAD 0.00616 and 0.00652; 1000 Genomes Project 0.00978; 1000 Genomes Project 30x 0.01140; TOPMed 0.00706.

Submission:

GeneDx
Classification: Likely benign. Last evaluated: 2018-06-16. Review status: criteria provided, single submitter. Criteria: GeneDx Variant Classification (06012015). Collection method: clinical testing. Allele origin: germline. Affected: yes.
Comment: This variant is considered likely benign or benign based on one or more of the following criteria: it is a conservative change, it occurs at a poorly conserved position in the protein, it is predicted to be benign by multiple in silico algorithms, and/or has population frequency not consistent with disease.